The following is an entry in ClinVar:

NM_181523.3(PIK3R1):c.1020G>A (p.Arg340=)

Gene: PIK3R1 (phosphoinositide-3-kinase regulatory subunit 1; plus strand). Cytogenetic location: 5q13.1.
Variant type: single nucleotide variant.
Coding change: c.1020G>A on transcript NM_181523.3 (MANE Select); coding-DNA position 1020, G replaced by A.
Protein change: p.Arg340=; no amino-acid change (arginine 340 retained).
Molecular consequence: synonymous variant. On other transcripts: 5 prime UTR variant (1).
Genome position (GRCh38, 1-based): chr5:68,293,101, G>A. VCF-style: chr5-68293101-G-A. GRCh37 (hg19) VCF-style: chr5-67588929-G-A.
Other names: c.-70G>A (NM_001242466.2); c.210G>A, p.Arg70= (NM_181504.4); c.120G>A, p.Arg40= (NM_181524.2).
Identifiers: ClinVar variation 2929365 (VCV002929365.3), dbSNP rs2112251686, ClinGen allele CA444672313.

ClinVar aggregate classification (germline): Uncertain significance (1 of 4 stars; one submission).

Conditions:
SHORT syndrome. Also called: LIPODYSTROPHY, PARTIAL, WITH RIEGER ANOMALY AND SHORT STATURE; PIK3R1-Related SHORT Syndrome; SHORT STATURE, HYPEREXTENSIBILITY, HERNIA, OCULAR DEPRESSION, RIEGER ANOMALY, AND TEETHING DELAY. Identifiers: Orphanet 3163, MedGen C0878684, MONDO:0010026, OMIM 269880.
Agammaglobulinemia 7, autosomal recessive (AGM7). Also called: AGAMMAGLOBULINEMIA, AUTOSOMAL RECESSIVE, DUE TO PIK3R1 DEFECT. Identifiers: MedGen C3554689, MONDO:0014083, OMIM 615214.
Immunodeficiency 36 with lymphoproliferation. Also called: Immunodeficiency 36; ACTIVATED PI3K-DELTA SYNDROME 2; Activated PI3K Delta Syndrome Type 2 (APDS2). Identifiers: Orphanet 397596, Orphanet 693681, MedGen C4014934, MONDO:0014453, OMIM 616005.

Allele frequency attached by ClinVar (database versions not stated): gnomAD exomes below 0.00001.
gnomAD v4.1: 3 of 1,608,188 alleles (0.00019%); highest among the groups gnomAD compares: East Asian, 0.0022%; no homozygotes.

Submission:

Labcorp Genetics (formerly Invitae), Labcorp
Classification: Uncertain significance for SHORT syndrome; Immunodeficiency 36 with lymphoproliferation; Agammaglobulinemia 7, autosomal recessive. Last evaluated: 2025-09-10. Review status: criteria provided, single submitter. Criteria: Invitae Variant Classification Sherloc (09022015). Collection method: clinical testing. Allele origin: germline.
Comment: This sequence change affects codon 340 of the PIK3R1 mRNA. It is a 'silent' change, meaning that it does not change the encoded amino acid sequence of the PIK3R1 protein. It affects a nucleotide within the consensus splice site. This variant is not present in population databases (gnomAD no frequency). This variant has not been reported in the literature in individuals affected with PIK3R1-related conditions. ClinVar contains an entry for this variant (Variation ID: 2929365). Algorithms developed to predict the effect of sequence changes on RNA splicing suggest that this variant is not likely to affect RNA splicing. In summary, the available evidence is currently insufficient to determine the role of this variant in disease. Therefore, it has been classified as a Variant of Uncertain Significance.